The following is an entry in ClinVar:

ClinVar aggregate classification (germline): Likely benign (1 of 4 stars; one submission).

gnomAD v4.1: 641 of 1,203,586 alleles (0.053%); highest among the groups gnomAD compares: Middle Eastern, 0.23%; 2 homozygotes.

Submission:

Mayo Clinic Laboratories, Mayo Clinic
Classification: Likely benign. Last evaluated: 2025-09-03. Review status: criteria provided, single submitter. Criteria: ACMG Guidelines, 2015. Collection method: clinical testing. Allele origin: germline. Observed: 1 variant allele.
Comment: BS1, BP4, BP7

NM_001037171.2(ACOT9):c.789C>T (p.Ser263=)

Gene: ACOT9 (acyl-CoA thioesterase 9; minus strand). Cytogenetic location: Xp22.11.
Variant type: single nucleotide variant.
Coding change: c.789C>T on transcript NM_001037171.2 (MANE Select); coding-DNA position 789, C replaced by T.
Protein change: p.Ser263=; no amino-acid change (serine 263 retained).
Molecular consequence: synonymous variant.
Genome position (GRCh38, 1-based): chrX:23,706,681, G>A on the plus strand (C>T on the coding strand, the complement: ACOT9 is on the minus strand). VCF-style: chrX-23706681-G-A. GRCh37 (hg19) VCF-style: chrX-23724798-G-A.
Other names: p.Ser263=; c.762C>T, p.Ser254= (NM_001033583.3); c.582C>T, p.Ser194= (NM_001330259.2).
Identifiers: ClinVar variation 4684512 (VCV004684512.1).